The following is an entry in ClinVar:

ClinVar aggregate classification (germline): Uncertain significance (1 of 4 stars; one submission).

Submission:

GeneDx
Classification: Uncertain significance. Last evaluated: 2019-05-16. Review status: criteria provided, single submitter. Criteria: GeneDx Variant Classification Process June 2021. Collection method: clinical testing. Allele origin: germline. Affected: yes.
Comment: Not observed at a significant frequency in large population cohorts (Lek et al., 2016); Has not been previously published as pathogenic or benign to our knowledge

NM_000245.4(MET):c.1100del (p.Ile367fs)

Gene: MET (MET proto-oncogene, receptor tyrosine kinase; plus strand). Cytogenetic location: 7q31.2.
Variant type: Deletion.
Coding change: c.1100del on transcript NM_000245.4 (MANE Select); coding-DNA position 1100, one base deleted (T; older notation c.1100delT).
Protein change: p.Ile367fs; shifts the reading frame from isoleucine 367.
Molecular consequence: frameshift variant. On other transcripts: intron variant (1).
Genome position (GRCh38, 1-based): chr7:116,700,184, T deleted. VCF-style (leftmost placement, unchanged base first): chr7-116700183-AT-A. GRCh37 (hg19) VCF-style: chr7-116340237-AT-A.
Other names: c.1100del, p.Ile367fs (NM_001127500.3, NM_001324401.3); c.-91+27607del (NM_001324402.2); short protein forms I367fs.
Identifiers: ClinVar variation 1319016 (VCV001319016.2), dbSNP rs2116605487, ClinGen allele CA2573052798.